The following is an entry in ClinVar:

ClinVar aggregate classification (germline): Benign. Review status: criteria provided, single submitter (1 of 4 stars). 3 submissions from 1 submitter: Benign (3). Last evaluated 2018-01-12.

Conditions:
Cockayne syndrome type 2 (CSB). Also called: COCKAYNE SYNDROME B; Cockayne Syndrome, Type II. Identifiers: Orphanet 191, Orphanet 90322, MedGen C0751038, MONDO:0019570, OMIM 133540.
Age related macular degeneration 5. Identifiers: MedGen C3151063, MONDO:0013409, OMIM 613761.
Cerebrooculofacioskeletal syndrome 1 (COFS1). Also called: Cerebro-oculo-facio-skeletal syndrome 1. Identifiers: MedGen C0220722, MONDO:0008955, OMIM 214150.

Allele frequency attached by ClinVar (database versions not stated): gnomAD 0.09918 and 0.10297; TOPMed 0.11099; 1000 Genomes Project 0.17612; 1000 Genomes Project 30x 0.17770.

Submissions (3):

Illumina Laboratory Services, Illumina
Classification: Benign for Cockayne syndrome type 2. Last evaluated: 2018-01-12. Review status: criteria provided, single submitter. Criteria: ICSL Variant Classification Criteria 13 December 2019. Collection method: clinical testing. Allele origin: germline.
Comment: This variant was observed in the ICSL laboratory as part of a predisposition screen in an ostensibly healthy population. It had not been previously curated by ICSL or reported in the Human Gene Mutation Database (HGMD: prior to June 1st, 2018), and was therefore a candidate for classification through an automated scoring system. Utilizing variant allele frequency, disease prevalence and penetrance estimates, and inheritance mode, an automated score was calculated to assess if this variant is too frequent to cause the disease. Based on the score and internal cut-off values, a variant classified as benign is not then subjected to further curation. The score for this variant resulted in a classification of benign for this disease.

Illumina Laboratory Services, Illumina
Classification: Benign for Age related macular degeneration 5. Last evaluated: 2018-01-12. Review status: criteria provided, single submitter. Criteria: ICSL Variant Classification Criteria 13 December 2019. Collection method: clinical testing. Allele origin: germline.
Comment: the same text as in the submission from Illumina Laboratory Services, Illumina above.

Illumina Laboratory Services, Illumina
Classification: Benign for Cerebrooculofacioskeletal syndrome 1. Last evaluated: 2018-01-12. Review status: criteria provided, single submitter. Criteria: ICSL Variant Classification Criteria 13 December 2019. Collection method: clinical testing. Allele origin: germline.
Comment: the same text as in the submission from Illumina Laboratory Services, Illumina above.

NM_000124.4(ERCC6):c.*3823T>C

Gene: ERCC6 (ERCC excision repair 6, chromatin remodeling factor; minus strand). Cytogenetic location: 10q11.23.
Variant type: single nucleotide variant.
Coding change: c.*3823T>C on transcript NM_000124.4 (MANE Select); 3823 bases downstream of the stop codon, T replaced by C.
Molecular consequence: 3 prime UTR variant.
Genome position (GRCh38, 1-based): chr10:49,454,992, A>G on the plus strand (T>C on the coding strand, the complement: ERCC6 is on the minus strand). VCF-style: chr10-49454992-A-G. GRCh37 (hg19) VCF-style: chr10-50663038-A-G.
Other names: c.*3823T>C (NM_001346440.2).
Identifiers: ClinVar variation 877983 (VCV000877983.4), dbSNP rs73297748, ClinGen allele CA15643604.